The following is an entry in ClinVar:

NM_032387.5(WNK4):c.1398dup (p.Arg467fs)

Gene: WNK4 (WNK lysine deficient protein kinase 4; plus strand). Cytogenetic location: 17q21.2.
Variant type: Duplication.
Coding change: c.1398dup on transcript NM_032387.5 (MANE Select); coding-DNA position 1398, one base duplicated (G; older notation c.1398dupG).
Protein change: p.Arg467fs; shifts the reading frame from arginine 467.
Molecular consequence: frameshift variant.
Genome position (GRCh38, 1-based): chr17:42,785,404, G duplicated; the last of 6 consecutive G bases (chr17:42,785,399-42,785,404); duplicating any one gives the same sequence. VCF-style (leftmost placement, unchanged base first): chr17-42785398-C-CG. GRCh37 (hg19) VCF-style: chr17-40937416-C-CG.
Other names: c.390dup, p.Arg131fs (NM_001321299.2); short protein forms R131fs, R467fs.
Identifiers: ClinVar variation 3609804 (VCV003609804.2).
Genomic context (GRCh38, chr17:42,785,398, plus strand): 5'-GGAGGACGACGGCGAGAAGCCGGGCCTCAAGCTCTGGCTGCGCATGGAGGACGCGCGGCG[C>CG]GGGGGGCGCCCACGGGACAACCAGGCCATCGAGTTCCTGTTCCAGCTGGGCCGGGACGCG-3'

ClinVar aggregate classification (germline): Uncertain significance (1 of 4 stars; one submission).

Submission:

Labcorp Genetics (formerly Invitae), Labcorp
Classification: Uncertain significance. Last evaluated: 2024-12-04. Review status: criteria provided, single submitter. Criteria: Invitae Variant Classification Sherloc (09022015). Collection method: clinical testing. Allele origin: germline.
Comment: This sequence change creates a premature translational stop signal (p.Arg467Alafs*34) in the WNK4 gene. It is expected to result in an absent or disrupted protein product. However, the current clinical and genetic evidence is not sufficient to establish whether loss-of-function variants in WNK4 cause disease. The frequency data for this variant in the population databases is considered unreliable, as metrics indicate poor data quality at this position in the gnomAD database. This variant has not been reported in the literature in individuals affected with WNK4-related conditions. In summary, the available evidence is currently insufficient to determine the role of this variant in disease. Therefore, it has been classified as a Variant of Uncertain Significance.